The following is an entry in ClinVar:

NM_005188.4(CBL):c.368T>C (p.Met123Thr)

Gene: CBL (Cbl proto-oncogene; plus strand). Cytogenetic location: 11q23.3.
Variant type: single nucleotide variant.
Coding change: c.368T>C on transcript NM_005188.4 (MANE Select); coding-DNA position 368, T replaced by C.
Protein change: p.Met123Thr; replaces methionine 123 with threonine.
Molecular consequence: missense variant.
Genome position (GRCh38, 1-based): chr11:119,232,620, T>C. VCF-style: chr11-119232620-T-C. GRCh37 (hg19) VCF-style: chr11-119103330-T-C.
Other names: short protein forms M123T.
Identifiers: ClinVar variation 4613872 (VCV004613872.2).

ClinVar aggregate classification (germline): Uncertain significance. Review status: criteria provided, multiple submitters, no conflicts (2 of 4 stars). 2 submissions from 2 submitters: Uncertain significance (2). Last evaluated 2025-11-11.

Conditions:
Cardiovascular phenotype. Identifiers: MedGen CN230736.

Submissions (2):

Ambry Genetics
Classification: Uncertain significance for Cardiovascular phenotype. Last evaluated: 2025-11-11. Review status: criteria provided, single submitter. Criteria: Ambry Variant Classification Scheme 2023. Collection method: clinical testing. Allele origin: germline.
Comment: The p.M123T variant (also known as c.368T>C), located in coding exon 2 of the CBL gene, results from a T to C substitution at nucleotide position 368. The methionine at codon 123 is replaced by threonine, an amino acid with similar properties. This amino acid position is conserved. In addition, this alteration is predicted to be tolerated by in silico analysis. Based on the available evidence, the clinical significance of this variant remains unclear.

Blueprint Genetics
Classification: Uncertain significance. Last evaluated: 2023-05-19. Review status: criteria provided, single submitter. Criteria: ACMG Guidelines, 2015. Collection method: clinical testing. Allele origin: germline.